The following is an entry in ClinVar:

ClinVar aggregate classification (germline): Pathogenic (0 of 4 stars; one submission).

Conditions:
Steinert myotonic dystrophy syndrome (DM1). Also called: Myotonic dystrophy type 1; Dystrophia myotonica type 1; Steinert myotonic dystrophy; Steinert's disease; STEINERT DISEASE. Identifiers: Orphanet 273, MedGen C3250443, MONDO:0008056, OMIM 160900.

Submission:

GeneReviews
Classification: Pathogenic for Myotonic Dystrophy Type 1. Last evaluated: 2013-05-16. Review status: no assertion criteria provided. Collection method: curation. Allele origin: unknown.
ClinVar note: Converted during submission from pathologic to Pathogenic.

Single allele

Variant type: Microsatellite.
Identifiers: ClinVar variation 65631 (VCV000065631.3).